The following is an entry in ClinVar:

NM_144999.4(LRRC45):c.1334A>G (p.Glu445Gly)

Gene: LRRC45 (leucine rich repeat containing 45; plus strand). Cytogenetic location: 17q25.3.
Variant type: single nucleotide variant.
Coding change: c.1334A>G on transcript NM_144999.4 (MANE Select); coding-DNA position 1334, A replaced by G.
Protein change: p.Glu445Gly; replaces glutamic acid 445 with glycine.
Molecular consequence: missense variant.
Genome position (GRCh38, 1-based): chr17:82,029,118, A>G. VCF-style: chr17-82029118-A-G. GRCh37 (hg19) VCF-style: chr17-79986994-A-G.
Other names: short protein forms E445G.
Identifiers: ClinVar variation 4995203 (VCV004995203.1).

ClinVar aggregate classification (germline): Uncertain significance (1 of 4 stars; one submission).

Conditions:
LRRC45-related disorder. Also called: LRRC45-related condition.

gnomAD v4.1: 4 of 1,612,556 alleles (0.00025%); highest among the groups gnomAD compares: Admixed American, 0.0017%; no homozygotes.

Submission:

PreventionGenetics, part of Exact Sciences
Classification: Uncertain significance for LRRC45-related condition. Last evaluated: 2026-09-15. Review status: criteria provided, single submitter. Criteria: ACMG Guidelines, 2015. Collection method: clinical testing. Allele origin: germline.
Comment: The LRRC45 c.1334A>G variant is predicted to result in the amino acid substitution p.Glu445Gly. To our knowledge, this variant has not been reported in the literature or in a large population database (gnomAD), indicating this variant is rare. At this time, the clinical significance of this variant is uncertain due to the absence of conclusive functional and genetic evidence.